The following is an entry in ClinVar:

NM_018979.4(WNK1):c.3842C>T (p.Thr1281Ile)

Gene: WNK1 (WNK lysine deficient protein kinase 1; plus strand). Cytogenetic location: 12p13.33.
Variant type: single nucleotide variant.
Coding change: c.3842C>T on transcript NM_018979.4 (MANE Select); coding-DNA position 3842, C replaced by T.
Protein change: p.Thr1281Ile; replaces threonine 1281 with isoleucine.
Molecular consequence: missense variant.
Genome position (GRCh38, 1-based): chr12:884,241, C>T. VCF-style: chr12-884241-C-T. GRCh37 (hg19) VCF-style: chr12-993407-C-T.
Other names: c.4622C>T, p.Thr1541Ile (NM_001184985.2); c.3101C>T, p.Thr1034Ile (NM_014823.3); c.4598C>T, p.Thr1533Ile (NM_213655.5); short protein forms T1533I, T1034I, T1281I, T1541I.
Identifiers: ClinVar variation 1443688 (VCV001443688.8), dbSNP rs748686414, ClinGen allele CA6382864.

ClinVar aggregate classification (germline): Uncertain significance (1 of 4 stars; one submission).

Conditions:
Neuropathy, hereditary sensory and autonomic, type 2A (HSAN2A). Also called: ACROOSTEOLYSIS, GIACCAI TYPE; ACROOSTEOLYSIS, NEUROGENIC; MORVAN DISEASE; NEUROPATHY, CONGENITAL SENSORY; NEUROPATHY, HEREDITARY SENSORY RADICULAR, AUTOSOMAL RECESSIVE; NEUROPATHY, HEREDITARY SENSORY, TYPE IIA. Identifiers: Orphanet 970, MedGen C2752089, MONDO:0024309, OMIM 201300.
Pseudohypoaldosteronism type 2C (PHA2C). Also called: Pseudohypoaldosteronism Type IIC. Identifiers: Orphanet 757, Orphanet 88940, MedGen C1840391, MONDO:0013778, OMIM 614492.

Allele frequency attached by ClinVar (database versions not stated): TOPMed below 0.00001; ExAC 0.00001; gnomAD 0.00001; gnomAD exomes 0.00001.
gnomAD v4.1: 7 of 1,613,846 alleles (0.00043%); highest among the groups gnomAD compares: Admixed American, 0.0083%; no homozygotes.

Submission:

Labcorp Genetics (formerly Invitae), Labcorp
Classification: Uncertain significance for Neuropathy, hereditary sensory and autonomic, type 2A; Pseudohypoaldosteronism type 2C. Last evaluated: 2025-08-11. Review status: criteria provided, single submitter. Criteria: Invitae Variant Classification Sherloc (09022015). Collection method: clinical testing. Allele origin: germline.
Comment: This sequence change replaces threonine, which is neutral and polar, with isoleucine, which is neutral and non-polar, at codon 1533 of the WNK1 protein (p.Thr1533Ile). This variant is present in population databases (rs748686414, gnomAD 0.01%). This variant has not been reported in the literature in individuals affected with WNK1-related conditions. ClinVar contains an entry for this variant (Variation ID: 1443688). Experimental studies and prediction algorithms are not available or were not evaluated, and the functional significance of this variant is currently unknown. In summary, the available evidence is currently insufficient to determine the role of this variant in disease. Therefore, it has been classified as a Variant of Uncertain Significance.